The following is an entry in ClinVar:

NM_004304.5(ALK):c.3230A>C (p.Glu1077Ala)

Gene: ALK (ALK receptor tyrosine kinase; minus strand). Cytogenetic location: 2p23.2.
Variant type: single nucleotide variant.
Coding change: c.3230A>C on transcript NM_004304.5 (MANE Select); coding-DNA position 3230, A replaced by C.
Protein change: p.Glu1077Ala; replaces glutamic acid 1077 with alanine.
Molecular consequence: missense variant.
Genome position (GRCh38, 1-based): chr2:29,223,471, T>G on the plus strand (A>C on the coding strand, the complement: ALK is on the minus strand). VCF-style: chr2-29223471-T-G. GRCh37 (hg19) VCF-style: chr2-29446337-T-G.
Other names: c.26A>C, p.Glu9Ala (NM_001353765.2); short protein forms E1077A, E9A.
Identifiers: ClinVar variation 4869937 (VCV004869937.1).

ClinVar aggregate classification (germline): Uncertain significance (1 of 4 stars; one submission).

Conditions:
Hereditary cancer-predisposing syndrome. Also called: Neoplastic Syndromes, Hereditary; Tumor predisposition; Hereditary Cancer Syndrome; Hereditary neoplastic syndrome. Identifiers: Orphanet 140162, MedGen C0027672, MeSH D009386, MONDO:0015356.

Submission:

Ambry Genetics
Classification: Uncertain significance for Hereditary cancer-predisposing syndrome. Last evaluated: 2026-03-24. Review status: criteria provided, single submitter. Criteria: Ambry Variant Classification Scheme 2023. Collection method: clinical testing. Allele origin: germline.
Comment: The p.E1077A variant (also known as c.3230A>C), located in coding exon 20 of the ALK gene, results from an A to C substitution at nucleotide position 3230. The glutamic acid at codon 1077 is replaced by alanine, an amino acid with dissimilar properties. This amino acid position is conserved. In addition, the in silico prediction for this alteration is inconclusive. Based on the available evidence, the clinical significance of this variant remains unclear.